The following is an entry in ClinVar:

NM_001370259.2(MEN1):c.288G>C (p.Gln96His)

Gene: MEN1 (menin 1; minus strand). Cytogenetic location: 11q13.1.
Variant type: single nucleotide variant.
Coding change: c.288G>C on transcript NM_001370259.2 (MANE Select); coding-DNA position 288, G replaced by C.
Protein change: p.Gln96His; replaces glutamine 96 with histidine.
Molecular consequence: missense variant. On other transcripts: non-coding transcript variant (4).
Genome position (GRCh38, 1-based): chr11:64,809,822, C>G on the plus strand (G>C on the coding strand, the complement: MEN1 is on the minus strand). VCF-style: chr11-64809822-C-G. GRCh37 (hg19) VCF-style: chr11-64577294-C-G.
Other names: c.288G>C, p.Gln96His (NM_000244.4, NM_001370251.2, NM_001370260.2 and 20 more transcripts); short protein forms Q96H.
Identifiers: ClinVar variation 2624635 (VCV002624635.3), dbSNP rs2136185997, ClinGen allele CA381187477.

ClinVar aggregate classification (germline): Uncertain significance (1 of 4 stars; one submission).

Conditions:
Hereditary cancer-predisposing syndrome. Also called: Hereditary neoplastic syndrome; Hereditary Cancer Syndrome; Neoplastic Syndromes, Hereditary; Tumor predisposition. Identifiers: Orphanet 140162, MedGen C0027672, MeSH D009386, MONDO:0015356.

Submission:

Ambry Genetics
Classification: Uncertain significance for Hereditary cancer-predisposing syndrome. Last evaluated: 2026-08-28. Review status: criteria provided, single submitter. Criteria: Ambry Variant Classification Scheme 2023. Collection method: clinical testing. Allele origin: germline.
Comment: The p.Q96H variant (also known as c.288G>C), located in coding exon 1 of the MEN1 gene, results from a G to C substitution at nucleotide position 288. The glutamine at codon 96 is replaced by histidine, an amino acid with highly similar properties. This amino acid position is conserved. In addition, this alteration is predicted to be deleterious by in silico analysis. Since supporting evidence is limited at this time, the clinical significance of this alteration remains unclear.